The following is an entry in ClinVar:

ClinVar aggregate classification (germline): Benign (1 of 4 stars; one submission).

Conditions:
Occult macular dystrophy (OCMD). Also called: OMD; OCCULT MACULAR DYSTROPHY, SUSCEPTIBILITY TO. Identifiers: Orphanet 247834, MedGen C3150833, MONDO:0013316, OMIM 613587, HP:0030636.

Allele frequency attached by ClinVar (database versions not stated): gnomAD below 0.00001 and 0.00001; gnomAD exomes 0.00001 and 0.00002; ExAC 0.00002.
gnomAD v4.1: 8 of 1,387,814 alleles (0.00058%); highest among the groups gnomAD compares: South Asian, 0.01%; no homozygotes.

Submission:

Illumina Laboratory Services, Illumina
Classification: Benign for Occult macular dystrophy. Last evaluated: 2018-01-13. Review status: criteria provided, single submitter. Criteria: ICSL Variant Classification Criteria 13 December 2019. Collection method: clinical testing. Allele origin: germline.
Comment: This variant was observed in the ICSL laboratory as part of a predisposition screen in an ostensibly healthy population. It had not been previously curated by ICSL or reported in the Human Gene Mutation Database (HGMD: prior to June 1st, 2018), and was therefore a candidate for classification through an automated scoring system. Utilizing variant allele frequency, disease prevalence and penetrance estimates, and inheritance mode, an automated score was calculated to assess if this variant is too frequent to cause the disease. Based on the score and internal cut-off values, a variant classified as benign is not then subjected to further curation. The score for this variant resulted in a classification of benign for this disease.

NM_178857.6(RP1L1):c.4069G>A (p.Glu1357Lys)

Gene: RP1L1 (RP1 like 1). Cytogenetic location: 8p23.1.
Variant type: single nucleotide variant.
Coding change: c.4069G>A on transcript NM_178857.6 (MANE Select); coding-DNA position 4069, G replaced by A.
Protein change: p.Glu1357Lys; replaces glutamic acid 1357 with lysine.
Molecular consequence: missense variant.
Genome position (GRCh38, 1-based): chr8:10,610,029, C>T on the plus strand (G>A on the coding strand, the complement: RP1L1 is on the minus strand). VCF-style: chr8-10610029-C-T. GRCh37 (hg19) VCF-style: chr8-10467539-C-T.
Other names: short protein forms E1357K.
Identifiers: ClinVar variation 909196 (VCV000909196.4), dbSNP rs757271707, ClinGen allele CA4624148.